The following is an entry in ClinVar:

ClinVar aggregate classification (germline): Uncertain significance (1 of 4 stars; one submission).

Conditions:
Charcot-Marie-Tooth disease axonal type 2O. Also called: Charcot-Marie-Tooth disease, axonal, type 20; CHARCOT-MARIE-TOOTH NEUROPATHY, AXONAL, TYPE 2O; CHARCOT-MARIE-TOOTH DISEASE, AXONAL, AUTOSOMAL DOMINANT, TYPE 2O; Charcot-Marie-Tooth Neuropathy Type 2O. Identifiers: Orphanet 284232, MedGen C3280220, MONDO:0013644, OMIM 614228.

Allele frequency attached by ClinVar (database versions not stated): gnomAD exomes below 0.00001.
gnomAD v4.1: 4 of 1,612,568 alleles (0.00025%); highest among the groups gnomAD compares: East Asian, 0.0022%; no homozygotes.

Submission:

Labcorp Genetics (formerly Invitae), Labcorp
Classification: Uncertain significance for Charcot-Marie-Tooth disease axonal type 2O. Last evaluated: 2023-08-14. Review status: criteria provided, single submitter. Criteria: Invitae Variant Classification Sherloc (09022015). Collection method: clinical testing. Allele origin: germline.
Comment: In summary, the available evidence is currently insufficient to determine the role of this variant in disease. Therefore, it has been classified as a Variant of Uncertain Significance. Advanced modeling of protein sequence and biophysical properties (such as structural, functional, and spatial information, amino acid conservation, physicochemical variation, residue mobility, and thermodynamic stability) has been performed at Invitae for this missense variant, however the output from this modeling did not meet the statistical confidence thresholds required to predict the impact of this variant on DYNC1H1 protein function. This variant has not been reported in the literature in individuals affected with DYNC1H1-related conditions. This variant is not present in population databases (gnomAD no frequency). This sequence change replaces proline, which is neutral and non-polar, with leucine, which is neutral and non-polar, at codon 2768 of the DYNC1H1 protein (p.Pro2768Leu).

NM_001376.5(DYNC1H1):c.8303C>T (p.Pro2768Leu)

Gene: DYNC1H1 (dynein cytoplasmic 1 heavy chain 1; plus strand). Cytogenetic location: 14q32.31.
Variant type: single nucleotide variant.
Coding change: c.8303C>T on transcript NM_001376.5 (MANE Select); coding-DNA position 8303, C replaced by T.
Protein change: p.Pro2768Leu; replaces proline 2768 with leucine.
Molecular consequence: missense variant.
Genome position (GRCh38, 1-based): chr14:102,018,576, C>T. VCF-style: chr14-102018576-C-T. GRCh37 (hg19) VCF-style: chr14-102484913-C-T.
Other names: short protein forms P2768L.
Identifiers: ClinVar variation 2977553 (VCV002977553.3), dbSNP rs2503777588, ClinGen allele CA391005680.
Genomic context (GRCh38, chr14:102,018,576, plus strand): 5'-ACGGCACCTTCAACCGCGCCATGCTGAGGCTCATTCCATCCCTGCGGACGTATGCAGAGC[C>T]GCTCACTGCTGCCATGGTGGAGTTCTACACCATGTCTCAGGTACGCAGAGTTTCTTTGCT-3'
Protein context (NP_001367.2, residues 2758-2778): LIPSLRTYAE[Pro2768Leu]LTAAMVEFYT